The following is an entry in ClinVar:

ClinVar aggregate classification (germline): Pathogenic (1 of 4 stars; one submission).

Conditions:
Long QT syndrome (LQTS). Identifiers: MedGen C0023976, MeSH D008133, MONDO:0002442. Disease mechanism: loss of function. Inheritance: Various modes of inheritance.

Submission:

Labcorp Genetics (formerly Invitae), Labcorp
Classification: Pathogenic for Long QT syndrome. Last evaluated: 2024-06-20. Review status: criteria provided, single submitter. Criteria: Invitae Variant Classification Sherloc (09022015). Collection method: clinical testing. Allele origin: germline.
Comment: This variant, c.2180_2317del, results in the deletion of 46 amino acid(s) of the KCNH2 protein (p.Asp727_Ala772del), but otherwise preserves the integrity of the reading frame. This variant is not present in population databases (gnomAD no frequency). This variant has not been reported in the literature in individuals affected with KCNH2-related conditions. ClinVar contains an entry for this variant (Variation ID: 456903). This variant disrupts a region of the KCNH2 protein in which other variant(s) (p.Asp774Tyr) have been determined to be pathogenic (PMID: 10973849, 11009462, 18441445). This suggests that this is a clinically significant region of the protein, and that variants that disrupt it are likely to be disease-causing. For these reasons, this variant has been classified as Pathogenic.

Literature cited by the submitters: PubMed 10973849; PubMed 11009462; PubMed 18441445.

NM_000238.4(KCNH2):c.2180_2317del (p.Asp727_Ala772del)

Gene: KCNH2 (potassium voltage-gated channel subfamily H member 2; minus strand). Cytogenetic location: 7q36.1.
Variant type: Deletion.
Coding change: c.2180_2317del on transcript NM_000238.4 (MANE Select); coding-DNA positions 2180 to 2317, 138 bases deleted.
Protein change: p.Asp727_Ala772del.
Molecular consequence: inframe deletion. On other transcripts: inframe indel (6).
Genome position (GRCh38, 1-based): chr7:150,950,249-150,950,386, 138 bases deleted. GRCh37 (hg19): chr7:150,647,341-150,647,478.
Other names: c.1160_1297del, p.Asp387_Ala432del (NM_001204798.2, NM_172057.3); c.1888_2025del138, p.Asp631_Ala676del (NM_001406753.1, NM_001406756.1); c.1999_2136del138, p.Asp668_Ala713del (NM_001406755.1); c.1876_2013del138, p.Asp627_Ala672del (NM_001406757.1); c.2176_2313del138, p.Asp727_Ala772del (NM_172056.3); c.2180_2317delACATCTGCCTGCACCTGAACCGCTCACTGCTGCAGCACTGCAAACCCTTCCGAGGGGCCACCAAGGGCTGCCTTCGGGCCCTGGCCATGAAGTTCAAGACCACACATGCACCGCCAGGGGACACACTGGTGCATGCTG (NM_000238.3).
Identifiers: ClinVar variation 456903 (VCV000456903.10), dbSNP rs1554425226, ClinGen allele CA658656021.